The following is an entry in ClinVar:

ClinVar aggregate classification (germline): Uncertain significance (1 of 4 stars; one submission).

Conditions:
Hereditary cancer-predisposing syndrome. Also called: Neoplastic Syndromes, Hereditary; Tumor predisposition; Hereditary Cancer Syndrome; Hereditary neoplastic syndrome. Identifiers: Orphanet 140162, MedGen C0027672, MeSH D009386, MONDO:0015356.

gnomAD v4.1: 2 of 1,613,912 alleles (0.00012%); highest among the groups gnomAD compares: Admixed American, 0.0017%; no homozygotes.

Submission:

Ambry Genetics
Classification: Uncertain significance for Hereditary cancer-predisposing syndrome. Last evaluated: 2026-05-15. Review status: criteria provided, single submitter. Criteria: Ambry Variant Classification Scheme 2023. Collection method: clinical testing. Allele origin: germline.
Comment: The p.N41K variant (also known as c.123T>G), located in coding exon 2 of the EPCAM gene, results from a T to G substitution at nucleotide position 123. The asparagine at codon 41 is replaced by lysine, an amino acid with similar properties. This amino acid position is conserved. In addition, this alteration is predicted to be tolerated by in silico analysis. Based on the available evidence, the clinical significance of this variant remains unclear.

NM_002354.3(EPCAM):c.123T>G (p.Asn41Lys)

Gene: EPCAM (epithelial cell adhesion molecule; plus strand). Cytogenetic location: 2p21.
Variant type: single nucleotide variant.
Coding change: c.123T>G on transcript NM_002354.3 (MANE Select); coding-DNA position 123, T replaced by G.
Protein change: p.Asn41Lys; replaces asparagine 41 with lysine.
Molecular consequence: missense variant.
Genome position (GRCh38, 1-based): chr2:47,373,509, T>G. VCF-style: chr2-47373509-T-G. GRCh37 (hg19) VCF-style: chr2-47600648-T-G.
Other names: short protein forms N41K.
Identifiers: ClinVar variation 4870512 (VCV004870512.1).